The following is an entry in ClinVar:

NM_001370259.2(MEN1):c.1506G>C (p.Lys502Asn)

Gene: MEN1 (menin 1; minus strand). Cytogenetic location: 11q13.1.
Variant type: single nucleotide variant.
Coding change: c.1506G>C on transcript NM_001370259.2 (MANE Select); coding-DNA position 1506, G replaced by C.
Protein change: p.Lys502Asn; replaces lysine 502 with asparagine.
Molecular consequence: missense variant.
Genome position (GRCh38, 1-based): chr11:64,804,661, C>G on the plus strand (G>C on the coding strand, the complement: MEN1 is on the minus strand). VCF-style: chr11-64804661-C-G. GRCh37 (hg19) VCF-style: chr11-64572133-C-G.
Other names: c.1521G>C (NM_000244.3); c.1521G>C, p.Lys507Asn (NM_000244.4, NM_130800.3, NM_130801.3 and 3 more transcripts); c.1632G>C, p.Lys544Asn (NM_001370251.2); c.1506G>C, p.Lys502Asn (NM_001370260.2, NM_001370261.2, NM_130799.3); c.1401G>C, p.Lys467Asn (NM_001370262.2, NM_001370263.2); short protein forms K502N, K507N, K544N, K467N.
Identifiers: ClinVar variation 403821 (VCV000403821.20), dbSNP rs774296730, ClinGen allele CA060705.

ClinVar aggregate classification (germline): Conflicting classifications of pathogenicity. Review status: criteria provided, conflicting classifications (1 of 4 stars). 7 submissions from 7 submitters: Uncertain significance (2); Benign (2); Likely benign (3). Last evaluated 2026-02-07.

Conditions:
MEN1-related disorder. Also called: MEN1-related condition.
Hereditary cancer-predisposing syndrome. Also called: Neoplastic Syndromes, Hereditary; Tumor predisposition; Hereditary Cancer Syndrome; Hereditary neoplastic syndrome. Identifiers: Orphanet 140162, MedGen C0027672, MeSH D009386, MONDO:0015356.
Multiple endocrine neoplasia, type 1 (MEN1). Also called: MEN I; WERMER SYNDROME; Endocrine adenomatosis multiple; MEN 1; MEA I. Identifiers: Orphanet 652, MedGen C0025267, MeSH D018761, MONDO:0007540, OMIM 131100.

Allele frequency attached by ClinVar (database versions not stated): gnomAD exomes below 0.00001 and 0.00001; ExAC 0.00002; gnomAD 0.00011 and 0.00014; TOPMed 0.00013.
gnomAD v4.1: 23 of 1,599,226 alleles (0.0014%); highest among the groups gnomAD compares: African/African-American, 0.029%; no homozygotes.

Submissions (7):

PreventionGenetics, part of Exact Sciences
Classification: Likely benign for MEN1-related condition. Last evaluated: 2026-02-07. Review status: criteria provided, single submitter. Criteria: ACMG Guidelines, 2015. Collection method: clinical testing. Allele origin: germline.
Comment: This variant is classified as likely benign based on ACMG/AMP sequence variant interpretation guidelines (Richards et al. 2015 PMID: 25741868, with internal and published modifications).

Labcorp Genetics (formerly Invitae), Labcorp
Classification: Benign for Multiple endocrine neoplasia, type 1. Last evaluated: 2026-01-26. Review status: criteria provided, single submitter. Criteria: Invitae Variant Classification Sherloc (09022015). Collection method: clinical testing. Allele origin: germline.

Myriad Genetics, Inc.
Classification: Likely benign for Multiple endocrine neoplasia, type 1. Last evaluated: 2024-08-06. Review status: criteria provided, single submitter. Criteria: Myriad Autosomal Dominant, Autosomal Recessive and X-Linked Classification Criteria (2023). Collection method: clinical testing. Allele origin: unknown.
Comment: This variant is considered likely benign. This variant has been observed at a population frequency that is significantly greater than expected given the associated disease prevalence and penetrance.

Color Diagnostics, LLC DBA Color Health
Classification: Likely benign for Multiple endocrine neoplasia, type 1. Last evaluated: 2023-02-14. Review status: criteria provided, single submitter. Criteria: ACMG Guidelines, 2015. Collection method: clinical testing. Allele origin: germline.

Ambry Genetics
Classification: Benign for Hereditary cancer-predisposing syndrome. Last evaluated: 2022-01-25. Review status: criteria provided, single submitter. Criteria: Ambry Variant Classification Scheme 2023. Collection method: clinical testing. Allele origin: germline.

Sema4
Classification: Uncertain significance for Hereditary cancer-predisposing syndrome. Last evaluated: 2022-01-01. Review status: criteria provided, single submitter. Criteria: Sema4 Curation Guidelines. Collection method: curation. Allele origin: germline.
Comment: The MEN1 c.1506G>C (p.K502N) variant has not been reported in the literature to our knowledge. It was observed in 7/21754 chromosomes of the African/African American subpopulation in the Genome Aggregation Database (PMID: 32461654). The variant has been reported in ClinVar (Variation ID 403821). Functional studies have not been performed, and in silico predictions of the variant's effect on protein function are inconclusive. The evidence is insufficient to meet ACMG/AMP criteria for classifying the variant as benign or pathogenic. Thus, the clinical significance of this variant is currently uncertain.

Breakthrough Genomics
Classification: Uncertain significance. Review status: criteria provided, single submitter. Criteria: ACMG Guidelines, 2015. Collection method: not provided. Allele origin: germline. Inheritance: Autosomal dominant inheritance. Affected: yes.